The following is an entry in ClinVar:

NM_012210.4(TRIM32):c.1061A>G (p.Gln354Arg)

Genes: ASTN2 (astrotactin 2; minus strand), TRIM32 (tripartite motif containing 32; plus strand). Cytogenetic location: 9q33.1.
Variant type: single nucleotide variant.
Coding change: c.1061A>G on transcript NM_012210.4 (MANE Select); coding-DNA position 1061, A replaced by G.
Protein change: p.Gln354Arg; replaces glutamine 354 with arginine.
Molecular consequence: missense variant. On other transcripts: intron variant (3).
Genome position (GRCh38, 1-based): chr9:116,698,803, A>G. VCF-style: chr9-116698803-A-G. GRCh37 (hg19) VCF-style: chr9-119461082-A-G.
Other names: c.1061A>G, p.Gln354Arg (NM_001099679.2, NM_001379048.1, NM_001379049.1 and 1 more transcripts); c.2653+26968T>C (NM_014010.5); c.2794+26968T>C (NM_001365069.1); c.2806+26968T>C (NM_001365068.1); short protein forms Q354R.
Identifiers: ClinVar variation 1007246 (VCV001007246.9), dbSNP rs1266244841, ClinGen allele CA374650864.

ClinVar aggregate classification (germline): Uncertain significance. Review status: criteria provided, multiple submitters, no conflicts (2 of 4 stars). 3 submissions from 3 submitters: Uncertain significance (3). Last evaluated 2025-11-07.

Conditions:
Bardet-Biedl syndrome 11 (BBS11). Identifiers: Orphanet 110, MedGen C1859569, MONDO:0014439, OMIM 615988.
Sarcotubular myopathy (LGMDR8). Also called: Autosomal recessive limb-girdle muscular dystrophy type 2H; Hutterite type of muscular dystrophy; MUSCULAR DYSTROPHY, LIMB-GIRDLE, AUTOSOMAL RECESSIVE 8; Limb-girdle muscular dystrophy, type 2H. Identifiers: Orphanet 1878, MedGen C0270968, MONDO:0009683, OMIM 254110.
Bardet-Biedl syndrome (BBS). Identifiers: Orphanet 110, MedGen C0752166, MONDO:0015229.
TRIM32-related disorder. Also called: TRIM32-related condition.

Allele frequency attached by ClinVar (database versions not stated): TOPMed below 0.00001; gnomAD 0.00001; gnomAD exomes 0.00001.
gnomAD v4.1: 4 of 1,614,080 alleles (0.00025%); highest among the groups gnomAD compares: Admixed American, 0.0067%; no homozygotes.

Submissions (3):

PreventionGenetics, part of Exact Sciences
Classification: Uncertain significance for TRIM32-related condition. Last evaluated: 2025-11-07. Review status: criteria provided, single submitter. Criteria: ACMG Guidelines, 2015. Collection method: clinical testing. Allele origin: germline.
Comment: The TRIM32 c.1061A>G variant is predicted to result in the amino acid substitution p.Gln354Arg. To our knowledge, this variant has not been reported in the literature. This variant is reported in 0.0058% of alleles in individuals of Latino descent in gnomAD. At this time, the clinical significance of this variant is uncertain due to the absence of conclusive functional and genetic evidence.

Labcorp Genetics (formerly Invitae), Labcorp
Classification: Uncertain significance for Bardet-Biedl syndrome. Last evaluated: 2022-05-25. Review status: criteria provided, single submitter. Criteria: Invitae Variant Classification Sherloc (09022015). Collection method: clinical testing. Allele origin: germline.
Comment: This variant is present in population databases (no rsID available, gnomAD 0.006%). This sequence change replaces glutamine, which is neutral and polar, with arginine, which is basic and polar, at codon 354 of the TRIM32 protein (p.Gln354Arg). This variant has not been reported in the literature in individuals affected with TRIM32-related conditions. In summary, the available evidence is currently insufficient to determine the role of this variant in disease. Therefore, it has been classified as a Variant of Uncertain Significance. Algorithms developed to predict the effect of missense changes on protein structure and function (SIFT, PolyPhen-2, Align-GVGD) all suggest that this variant is likely to be tolerated. ClinVar contains an entry for this variant (Variation ID: 1007246).

Fulgent Genetics
Classification: Uncertain significance for Sarcotubular myopathy; Bardet-Biedl syndrome 11. Last evaluated: 2021-09-20. Review status: criteria provided, single submitter. Criteria: ACMG Guidelines, 2015. Collection method: clinical testing. Allele origin: unknown.